The following is an entry in ClinVar:

ClinVar aggregate classification (germline): Uncertain significance. Review status: criteria provided, multiple submitters, no conflicts (2 of 4 stars). 2 submissions from 2 submitters: Uncertain significance (2). Last evaluated 2024-07-30.

Conditions:
Autosomal dominant nonsyndromic hearing loss 6 (LFSNHL). Also called: DEAFNESS, AUTOSOMAL DOMINANT 6; DEAFNESS, AUTOSOMAL DOMINANT 14; DEAFNESS, AUTOSOMAL DOMINANT 38; Autosomal dominant nonsyndromic deafness 6. Identifiers: Orphanet 90635, MedGen C1833021, MONDO:0010963, OMIM 600965.

Allele frequency attached by ClinVar (database versions not stated): ExAC 0.00002; TOPMed 0.00001.
gnomAD v4.1: 40 of 1,611,424 alleles (0.0025%); highest among the groups gnomAD compares: East Asian, 0.089%; no homozygotes.

Submissions (2):

Labcorp Genetics (formerly Invitae), Labcorp
Classification: Uncertain significance. Last evaluated: 2024-07-30. Review status: criteria provided, single submitter. Criteria: Invitae Variant Classification Sherloc (09022015). Collection method: clinical testing. Allele origin: germline.
Comment: This sequence change replaces cysteine, which is neutral and slightly polar, with serine, which is neutral and polar, at codon 505 of the WFS1 protein (p.Cys505Ser). This variant is present in population databases (no rsID available, gnomAD 0.03%). This missense change has been observed in individual(s) with deafness (PMID: 36597107). ClinVar contains an entry for this variant (Variation ID: 1013977). Advanced modeling of protein sequence and biophysical properties (such as structural, functional, and spatial information, amino acid conservation, physicochemical variation, residue mobility, and thermodynamic stability) has been performed at Invitae for this missense variant, however the output from this modeling did not meet the statistical confidence thresholds required to predict the impact of this variant on WFS1 protein function. In summary, the available evidence is currently insufficient to determine the role of this variant in disease. Therefore, it has been classified as a Variant of Uncertain Significance.

Precision Medicine Center, Zhengzhou University
Classification: Uncertain significance for Autosomal dominant nonsyndromic hearing loss 6. Last evaluated: 2006-06-30. Review status: criteria provided, single submitter. Criteria: ClinGen HL ACMG Specifications v1. Collection method: clinical testing. Allele origin: paternal. Affected: yes.
Comment: PM2+PP3:The WFS1 c.1514G>C variant is absent or extremely rare in population databases (PM2) and is predicted to be deleterious by multiple in silico prediction tools (PP3). However, no functional studies, segregation data, or sufficient clinical case evidence are currently available. Therefore, this variant is classified as a Variant of Uncertain Significance (VUS) according to ACMG/AMP guidelines.

Literature cited by the submitters: PubMed 36597107 (cited by Labcorp Genetics (formerly Invitae), Labcorp).

NM_006005.3(WFS1):c.1514G>C (p.Cys505Ser)

Gene: WFS1 (wolframin ER transmembrane glycoprotein; plus strand). Cytogenetic location: 4p16.1.
Variant type: single nucleotide variant.
Coding change: c.1514G>C on transcript NM_006005.3 (MANE Select); coding-DNA position 1514, G replaced by C.
Protein change: p.Cys505Ser; replaces cysteine 505 with serine.
Molecular consequence: missense variant.
Genome position (GRCh38, 1-based): chr4:6,301,309, G>C. VCF-style: chr4-6301309-G-C. GRCh37 (hg19) VCF-style: chr4-6303036-G-C.
Other names: c.1514G>C, p.Cys505Ser (NM_001145853.1); short protein forms C505S.
Identifiers: ClinVar variation 1013977 (VCV001013977.9), dbSNP rs1445355190, ClinGen allele CA2839386.
Genomic context (GRCh38, chr4:6,301,309, plus strand): 5'-GCCAGACCTTCATCACCGTGCCTGTCGGCCACCTGGTCGTCCTCAACGTCAGCGTCCCGT[G>C]CCTGCTCTATGTCTACCTGCTCTATCTCTTCTTCCGCATGGCACAGCTGAGGAATTTCAA-3'
Protein context (NP_005996.2, residues 495-515): HLVVLNVSVP[Cys505Ser]LLYVYLLYLF